The following is an entry in ClinVar:

NM_004380.3(CREBBP):c.3604C>T (p.Arg1202Cys)

Gene: CREBBP (CREB binding lysine acetyltransferase; minus strand). Cytogenetic location: 16p13.3.
Variant type: single nucleotide variant.
Coding change: c.3604C>T on transcript NM_004380.3 (MANE Select); coding-DNA position 3604, C replaced by T.
Protein change: p.Arg1202Cys; replaces arginine 1202 with cysteine.
Molecular consequence: missense variant.
Genome position (GRCh38, 1-based): chr16:3,757,814, G>A on the plus strand (C>T on the coding strand, the complement: CREBBP is on the minus strand). VCF-style: chr16-3757814-G-A. GRCh37 (hg19) VCF-style: chr16-3807815-G-A.
Other names: c.3490C>T, p.Arg1164Cys (NM_001079846.1); short protein forms R1164C, R1202C.
Identifiers: ClinVar variation 2646136 (VCV002646136.26), dbSNP rs2052622140, ClinGen allele CA394568544.

ClinVar aggregate classification (germline): Uncertain significance. Review status: criteria provided, multiple submitters, no conflicts (2 of 4 stars). 2 submissions from 2 submitters: Uncertain significance (2). Last evaluated 2024-06-22.

Conditions:
Rubinstein-Taybi syndrome (RSTS). Identifiers: Orphanet 783, MedGen C0035934, MONDO:0019188.

Allele frequency attached by ClinVar (database versions not stated): gnomAD exomes below 0.00001; gnomAD 0.00001.
gnomAD v4.1: 3 of 1,613,918 alleles (0.00019%); highest among the groups gnomAD compares: African/African-American, 0.0013%; no homozygotes.

Submissions (2):

Labcorp Genetics (formerly Invitae), Labcorp
Classification: Uncertain significance for Rubinstein-Taybi syndrome. Last evaluated: 2024-06-22. Review status: criteria provided, single submitter. Criteria: Invitae Variant Classification Sherloc (09022015). Collection method: clinical testing. Allele origin: germline.
Comment: This sequence change replaces arginine, which is basic and polar, with cysteine, which is neutral and slightly polar, at codon 1202 of the CREBBP protein (p.Arg1202Cys). This variant is not present in population databases (gnomAD no frequency). This variant has not been reported in the literature in individuals affected with CREBBP-related conditions. ClinVar contains an entry for this variant (Variation ID: 2646136). Advanced modeling of protein sequence and biophysical properties (such as structural, functional, and spatial information, amino acid conservation, physicochemical variation, residue mobility, and thermodynamic stability) performed at Invitae indicates that this missense variant is expected to disrupt CREBBP protein function with a positive predictive value of 95%. In summary, the available evidence is currently insufficient to determine the role of this variant in disease. Therefore, it has been classified as a Variant of Uncertain Significance.

CeGaT Center for Human Genetics Tuebingen
Classification: Uncertain significance. Last evaluated: 2023-05-01. Review status: criteria provided, single submitter. Criteria: CeGaT Center For Human Genetics Tuebingen Variant Classification Criteria Version 2. Collection method: clinical testing. Allele origin: germline. Affected: yes. Observed: 1 variant allele.
Comment: CREBBP: PP2, PP3